The following is an entry in ClinVar:

NM_005861.4(STUB1):c.760C>T (p.Arg254Cys)

Genes: JMJD8 (jumonji domain containing 8; minus strand), STUB1 (STIP1 homology and U-box containing protein 1; plus strand). Cytogenetic location: 16p13.3.
Variant type: single nucleotide variant.
Coding change: c.760C>T on transcript NM_005861.4 (MANE Select); coding-DNA position 760, C replaced by T.
Protein change: p.Arg254Cys; replaces arginine 254 with cysteine.
Molecular consequence: missense variant. On other transcripts: 3 prime UTR variant (5), non-coding transcript variant (3).
Genome position (GRCh38, 1-based): chr16:682,255, C>T. VCF-style: chr16-682255-C-T. GRCh37 (hg19) VCF-style: chr16-732255-C-T.
Other names: c.544C>T, p.Arg182Cys (NM_001293197.2); c.*539G>A (NM_001005920.4, NM_001323919.3, NM_001323920.3); c.*573G>A (NM_001323918.3, NM_001323922.3); short protein forms R182C, R254C.
Identifiers: ClinVar variation 1320727 (VCV001320727.5), dbSNP rs770730338, ClinGen allele CA7786807.

ClinVar aggregate classification (germline): Uncertain significance. Review status: criteria provided, multiple submitters, no conflicts (2 of 4 stars). 2 submissions from 2 submitters: Uncertain significance (2). Last evaluated 2023-03-18.

Allele frequency attached by ClinVar (database versions not stated): TOPMed below 0.00001; ExAC 0.00001; gnomAD 0.00001; gnomAD exomes 0.00001.

Submissions (2):

GeneDx
Classification: Uncertain significance. Last evaluated: 2023-03-18. Review status: criteria provided, single submitter. Criteria: GeneDx Variant Classification Process June 2021. Collection method: clinical testing. Allele origin: germline. Affected: yes.
Comment: In silico analysis supports that this missense variant has a deleterious effect on protein structure/function; This variant is associated with the following publications: (PMID: 34145229)

Revvity Omics, Revvity
Classification: Uncertain significance. Last evaluated: 2019-05-03. Review status: criteria provided, single submitter. Criteria: ACMG Guidelines, 2015. Collection method: clinical testing. Allele origin: germline.